The following is an entry in ClinVar:

ClinVar aggregate classification (germline): Uncertain significance (1 of 4 stars; one submission).

Conditions:
Familial hypobetalipoproteinemia 1. Also called: Hypobetalipoproteinemia, normotriglyceridemic; Acanthocytosis with hypobetalipoproteinemia; APOB-Related Familial Hypobetalipoproteinemia. Identifiers: MedGen C4551990, MONDO:0014252, OMIM 615558.
Hypercholesterolemia, autosomal dominant, type B (FHCL2). Also called: Familial Hypercholesterolemia Type B; APOLIPOPROTEIN B-100, FAMILIAL DEFECTIVE; APOLIPOPROTEIN B-100, FAMILIAL LIGAND-DEFECTIVE; HYPERCHOLESTEROLEMIA, FAMILIAL, DUE TO LIGAND-DEFECTIVE APOLIPOPROTEIN B; APOB-Related Familial Hypercholesterolemia, Autosomal Dominant; Hyperlipoproteinemia Type IIb. Identifiers: MedGen C1704417, MONDO:0007751, OMIM 144010.

Submission:

Labcorp Genetics (formerly Invitae), Labcorp
Classification: Uncertain significance for Familial hypobetalipoproteinemia 1; Hypercholesterolemia, autosomal dominant, type B. Last evaluated: 2025-10-08. Review status: criteria provided, single submitter. Criteria: Invitae Variant Classification Sherloc (09022015). Collection method: clinical testing. Allele origin: germline.
Comment: This sequence change replaces aspartic acid, which is acidic and polar, with glycine, which is neutral and non-polar, at codon 4275 of the APOB protein (p.Asp4275Gly). This variant is not present in population databases (gnomAD no frequency). This variant has not been reported in the literature in individuals affected with APOB-related conditions. Invitae Evidence Modeling of protein sequence and biophysical properties (such as structural, functional, and spatial information, amino acid conservation, physicochemical variation, residue mobility, and thermodynamic stability) indicates that this missense variant is not expected to disrupt APOB protein function with a negative predictive value of 95%. In summary, the available evidence is currently insufficient to determine the role of this variant in disease. Therefore, it has been classified as a Variant of Uncertain Significance.

NM_000384.3(APOB):c.12824A>G (p.Asp4275Gly)

Gene: APOB (apolipoprotein B; minus strand). Cytogenetic location: 2p24.1.
Variant type: single nucleotide variant.
Coding change: c.12824A>G on transcript NM_000384.3 (MANE Select); coding-DNA position 12824, A replaced by G.
Protein change: p.Asp4275Gly; replaces aspartic acid 4275 with glycine.
Molecular consequence: missense variant.
Genome position (GRCh38, 1-based): chr2:21,002,598, T>C on the plus strand (A>G on the coding strand, the complement: APOB is on the minus strand). VCF-style: chr2-21002598-T-C. GRCh37 (hg19) VCF-style: chr2-21225470-T-C.
Other names: short protein forms D4275G.
Identifiers: ClinVar variation 4793789 (VCV004793789.1).